The following is an entry in ClinVar:

ClinVar aggregate classification (germline): Likely pathogenic (1 of 4 stars; one submission).

Conditions:
SNW1-associated neurodevelopmental disorder.

Submission:

Institute of Human Genetics, University of Leipzig Medical Center
Classification: Likely pathogenic for SNW1-associated neurodevelopmental disorder. Last evaluated: 2025-11-28. Review status: criteria provided, single submitter. Criteria: ACMG Guidelines, 2015. Collection method: clinical testing. Allele origin: de novo. Inheritance: Autosomal dominant inheritance. Affected: yes.
Comment: Criteria applied: PM2,PS2_MOD,PS3_MOD

Literature cited by the submitters: PubMed 40608414.

NM_012245.3(SNW1):c.182_187del (p.Gly61_Gly62del)

Gene: SNW1 (SNW domain containing 1; minus strand). Cytogenetic location: 14q24.3.
Variant type: Deletion.
Coding change: c.182_187del on transcript NM_012245.3 (MANE Select); coding-DNA positions 182 to 187, 6 bases deleted (GAGGTG; older notation c.182_187delGAGGTG).
Protein change: p.Gly61_Gly62del.
Molecular consequence: inframe deletion.
Genome position (GRCh38, 1-based): chr14:77,751,462-77,751,467, CACCTC deleted on the plus strand (GAGGTG on the coding strand, the reverse complement: SNW1 is on the minus strand); deleting any 6 consecutive bases within chr14:77,751,462-77,751,469 gives the same sequence; the c. name uses the placement nearest the transcript's 3' end. VCF-style (leftmost placement, unchanged base first): chr14-77751461-GCACCTC-G. GRCh37 (hg19) VCF-style: chr14-78217804-GCACCTC-G.
Other names: c.182_187del, p.Gly61_Gly62del (NM_001318844.2).
Identifiers: ClinVar variation 4683090 (VCV004683090.1).